The following is an entry in ClinVar:

NM_006461.4(SPAG5):c.132C>T (p.Pro44=)

Gene: SPAG5 (sperm associated antigen 5; minus strand). Cytogenetic location: 17q11.2.
Variant type: single nucleotide variant.
Coding change: c.132C>T on transcript NM_006461.4 (MANE Select); coding-DNA position 132, C replaced by T.
Protein change: p.Pro44=; no amino-acid change (proline 44 retained).
Molecular consequence: synonymous variant.
Genome position (GRCh38, 1-based): chr17:28,598,555, G>A on the plus strand (C>T on the coding strand, the complement: SPAG5 is on the minus strand). VCF-style: chr17-28598555-G-A. GRCh37 (hg19) VCF-style: chr17-26925573-G-A.
Identifiers: ClinVar variation 2647590 (VCV002647590.24), dbSNP rs891687445, ClinGen allele CA499102953.

ClinVar aggregate classification (germline): Likely benign (1 of 4 stars; one submission).

Allele frequency attached by ClinVar (database versions not stated): gnomAD 0.00001; gnomAD exomes 0.00001.
gnomAD v4.1: 10 of 1,613,722 alleles (0.00062%); highest among the groups gnomAD compares: South Asian, 0.0099%; 1 homozygote.

Submission:

CeGaT Center for Human Genetics Tuebingen
Classification: Likely benign. Last evaluated: 2022-07-01. Review status: criteria provided, single submitter. Criteria: CeGaT Center For Human Genetics Tuebingen Variant Classification Criteria Version 2. Collection method: clinical testing. Allele origin: germline. Affected: yes. Observed: 1 variant allele.
Comment: SPAG5: BP4, BP7